The following is an entry in ClinVar:

ClinVar aggregate classification (germline): Conflicting classifications of pathogenicity. Review status: criteria provided, conflicting classifications (1 of 4 stars). 2 submissions from 2 submitters: Likely pathogenic (1); Uncertain significance (1). Last evaluated 2025-11-13.

Conditions:
Infantile epileptic dyskinetic encephalopathy. Identifiers: Orphanet 364063, MedGen C4552072, MONDO:0018226.

Allele frequency attached by ClinVar (database versions not stated): gnomAD exomes 0.00001.
gnomAD v4.1: 7 of 1,613,910 alleles (0.00043%); highest among the groups gnomAD compares: East Asian, 0.0022%; no homozygotes.

Submissions (2):

Women's Health and Genetics/Laboratory Corporation of America, LabCorp
Classification: Likely pathogenic for Infantile epileptic dyskinetic encephalopathy. Last evaluated: 2025-11-13. Review status: criteria provided, single submitter. Criteria: LabCorp Variant Classification Summary - May 2015. Collection method: clinical testing. Allele origin: germline.
Comment: Variant summary: CAD c.5366G>A (p.Arg1789Gln) results in a conservative amino acid change in the encoded protein sequence. Algorithms developed to predict the effect of missense changes on protein structure and function are either unavailable or do not agree on the potential impact of this missense change. The variant allele was found at a frequency of 4e-06 in 251066 control chromosomes. c.5366G>A has been observed in individuals affected with Epileptic Encephalopathy (e.g. Russo_2020, Silva_2024, Yang_2024). These data indicate that the variant may be associated with disease. At least one publication reports experimental evidence evaluating an impact on protein function. The variant was found to be non-functional in a growth complementation assay and denaturaing studies indicated the variant had decreased stability compared to the WT protein (Del Cano-Ochoa_2023). The following publications have been ascertained in the context of this evaluation (PMID: 37540500, 32720728, 38641466, 38897163). ClinVar contains an entry for this variant (Variation ID: 2151926). Based on the evidence outlined above, the variant was classified as likely pathogenic.

Labcorp Genetics (formerly Invitae), Labcorp
Classification: Uncertain significance. Last evaluated: 2023-08-08. Review status: criteria provided, single submitter. Criteria: Invitae Variant Classification Sherloc (09022015). Collection method: clinical testing. Allele origin: germline.
Comment: This missense change has been observed in individual(s) with developmental and epileptic encephalopathy (PMID: 32720728). In summary, the available evidence is currently insufficient to determine the role of this variant in disease. Therefore, it has been classified as a Variant of Uncertain Significance. An algorithm developed to predict the effect of missense changes on protein structure and function (PolyPhen-2) suggests that this variant is likely to be tolerated. ClinVar contains an entry for this variant (Variation ID: 2151926). This variant is present in population databases (no rsID available, gnomAD 0.003%). This sequence change replaces arginine, which is basic and polar, with glutamine, which is neutral and polar, at codon 1789 of the CAD protein (p.Arg1789Gln).

Literature cited by the submitters: PubMed 37540500 (cited by Women's Health and Genetics/Laboratory Corporation of America, LabCorp); PubMed 32720728 (cited by Women's Health and Genetics/Laboratory Corporation of America, LabCorp and Labcorp Genetics (formerly Invitae), Labcorp); PubMed 38641466 (cited by Women's Health and Genetics/Laboratory Corporation of America, LabCorp); PubMed 38897163 (cited by Women's Health and Genetics/Laboratory Corporation of America, LabCorp).

NM_004341.5(CAD):c.5366G>A (p.Arg1789Gln)

Gene: CAD (carbamoyl-phosphate synthetase 2, aspartate transcarbamylase, and dihydroorotase; plus strand). Cytogenetic location: 2p23.3.
Variant type: single nucleotide variant.
Coding change: c.5366G>A on transcript NM_004341.5 (MANE Select); coding-DNA position 5366, G replaced by A.
Protein change: p.Arg1789Gln; replaces arginine 1789 with glutamine.
Molecular consequence: missense variant.
Genome position (GRCh38, 1-based): chr2:27,239,443, G>A. VCF-style: chr2-27239443-G-A. GRCh37 (hg19) VCF-style: chr2-27462311-G-A.
Other names: c.5177G>A, p.Arg1726Gln (NM_001306079.2); short protein forms R1789Q, R1726Q.
Identifiers: ClinVar variation 2151926 (VCV002151926.5), dbSNP rs1341652994, ClinGen allele CA346222693.